The following is an entry in ClinVar:

ClinVar aggregate classification (germline): Uncertain significance (1 of 4 stars; one submission).

Conditions:
Luscan-Lumish syndrome. Identifiers: Orphanet 597738, MedGen C4085873, MONDO:0014791, OMIM 616831.

Allele frequency attached by ClinVar (database versions not stated): gnomAD 0.00001.

Submission:

Labcorp Genetics (formerly Invitae), Labcorp
Classification: Uncertain significance for Luscan-Lumish syndrome. Last evaluated: 2025-01-06. Review status: criteria provided, single submitter. Criteria: Invitae Variant Classification Sherloc (09022015). Collection method: clinical testing. Allele origin: germline.
Comment: This sequence change replaces threonine, which is neutral and polar, with lysine, which is basic and polar, at codon 444 of the SETD2 protein (p.Thr444Lys). This variant is not present in population databases (gnomAD no frequency). This variant has not been reported in the literature in individuals affected with SETD2-related conditions. ClinVar contains an entry for this variant (Variation ID: 837975). An algorithm developed to predict the effect of missense changes on protein structure and function (PolyPhen-2) suggests that this variant is likely to be tolerated. In summary, the available evidence is currently insufficient to determine the role of this variant in disease. Therefore, it has been classified as a Variant of Uncertain Significance.

NM_014159.7(SETD2):c.1331C>A (p.Thr444Lys)

Gene: SETD2 (SET domain containing 2, histone lysine methyltransferase; minus strand). Cytogenetic location: 3p21.31.
Variant type: single nucleotide variant.
Coding change: c.1331C>A on transcript NM_014159.7 (MANE Select); coding-DNA position 1331, C replaced by A.
Protein change: p.Thr444Lys; replaces threonine 444 with lysine.
Molecular consequence: missense variant. On other transcripts: non-coding transcript variant (1).
Genome position (GRCh38, 1-based): chr3:47,123,305, G>T on the plus strand (C>A on the coding strand, the complement: SETD2 is on the minus strand). VCF-style: chr3-47123305-G-T. GRCh37 (hg19) VCF-style: chr3-47164795-G-T.
Other names: c.1199C>A, p.Thr400Lys (NM_001349370.3); short protein forms T400K, T444K.
Identifiers: ClinVar variation 837975 (VCV000837975.6), dbSNP rs1030309071, ClinGen allele CA352531157.